The following is an entry in ClinVar:

ClinVar aggregate classification (germline): Conflicting classifications of pathogenicity. Review status: criteria provided, conflicting classifications (1 of 4 stars). 2 submissions from 2 submitters: Uncertain significance (1); Likely benign (1). Last evaluated 2024-08-14.

Submissions (2):

Quest Diagnostics Nichols Institute San Juan Capistrano
Classification: Uncertain significance. Last evaluated: 2024-08-14. Review status: criteria provided, single submitter. Criteria: Quest Diagnostics criteria. Collection method: clinical testing. Allele origin: unknown.
Comment: The RECQL c.408C>A (p.Val136=) synonymous variant has not been reported in individuals with RECQL-related conditions in the published literature. It also has not been reported in large, multi-ethnic general populations (Genome Aggregation Database). Analysis of this variant using software algorithms for the prediction of the effect of nucleotide changes on splicing yielded predictions that this variant does not affect RECQL mRNA splicing. Based on the available information, we are unable to determine the clinical significance of this variant.

Ambry Genetics
Classification: Likely benign. Last evaluated: 2024-04-01. Review status: criteria provided, single submitter. Criteria: Ambry Variant Classification Scheme 2023. Collection method: clinical testing. Allele origin: germline.

NM_002907.4(RECQL):c.408C>A (p.Val136=)

Gene: RECQL (RecQ like helicase; minus strand). Cytogenetic location: 12p12.1.
Variant type: single nucleotide variant.
Coding change: c.408C>A on transcript NM_002907.4 (MANE Select); coding-DNA position 408, C replaced by A.
Protein change: p.Val136=; no amino-acid change (valine 136 retained).
Molecular consequence: synonymous variant.
Genome position (GRCh38, 1-based): chr12:21,486,572, G>T on the plus strand (C>A on the coding strand, the complement: RECQL is on the minus strand). VCF-style: chr12-21486572-G-T. GRCh37 (hg19) VCF-style: chr12-21639506-G-T.
Other names: c.408C>A, p.Val136= (NM_032941.3).
Identifiers: ClinVar variation 3313497 (VCV003313497.2).